The following is an entry in ClinVar:

ClinVar aggregate classification (germline): Uncertain significance (1 of 4 stars; one submission).

Conditions:
MC3R-related disorder. Also called: MC3R-related condition.

Submission:

PreventionGenetics, part of Exact Sciences
Classification: Uncertain significance for MC3R-related condition. Last evaluated: 2026-04-07. Review status: criteria provided, single submitter. Criteria: ACMG Guidelines, 2015. Collection method: clinical testing. Allele origin: germline.
Comment: The MC3R c.868T>C variant is predicted to result in the amino acid substitution p.Cys290Arg. To our knowledge, this variant has not been reported in the literature or in a large population database (gnomAD), indicating this variant is rare. At this time, the clinical significance of this variant is uncertain due to the absence of conclusive functional and genetic evidence.

NM_019888.3(MC3R):c.868T>C (p.Cys290Arg)

Gene: MC3R (melanocortin 3 receptor; plus strand). Cytogenetic location: 20q13.2.
Variant type: single nucleotide variant.
Coding change: c.868T>C on transcript NM_019888.3 (MANE Select); coding-DNA position 868, T replaced by C.
Protein change: p.Cys290Arg; replaces cysteine 290 with arginine.
Molecular consequence: missense variant.
Genome position (GRCh38, 1-based): chr20:56,249,711, T>C. VCF-style: chr20-56249711-T-C. GRCh37 (hg19) VCF-style: chr20-54824767-T-C.
Other names: short protein forms C290R.
Identifiers: ClinVar variation 4980896 (VCV004980896.1).
Genomic context (GRCh38, chr20:56,249,711, plus strand): 5'-ACCAACCCCTACTGCATCTGCTACACTGCCCACTTCAACACCTACCTGGTCCTCATCATG[T>C]GCAACTCCGTCATCGACCCACTCATCTACGCTTTCCGGAGCCTGGAATTGCGCAACACCT-3'
Protein context (NP_063941.3, residues 280-300): HFNTYLVLIM[Cys290Arg]NSVIDPLIYA